The following is an entry in ClinVar:

NM_004463.3(FGD1):c.2268C>T (p.Cys756=)

Gene: FGD1 (FYVE, RhoGEF and PH domain containing 1; minus strand). Cytogenetic location: Xp11.22.
Variant type: single nucleotide variant.
Coding change: c.2268C>T on transcript NM_004463.3 (MANE Select); coding-DNA position 2268, C replaced by T.
Protein change: p.Cys756=; no amino-acid change (cysteine 756 retained).
Molecular consequence: synonymous variant.
Genome position (GRCh38, 1-based): chrX:54,449,149, G>A on the plus strand (C>T on the coding strand, the complement: FGD1 is on the minus strand). VCF-style: chrX-54449149-G-A. GRCh37 (hg19) VCF-style: chrX-54475582-G-A.
Identifiers: ClinVar variation 194511 (VCV000194511.23), dbSNP rs61734178, ClinGen allele CA201210.

ClinVar aggregate classification (germline): Benign/Likely benign. Review status: criteria provided, multiple submitters, no conflicts (2 of 4 stars). 8 submissions from 8 submitters: Benign (2); Likely benign (4). 2 of the submissions do not count toward it. Last evaluated 2026-01-11.

Conditions:
FGD1-related disorder. Also called: FGD1-related condition; FGD1-related disorders.
Inborn genetic diseases. Identifiers: MedGen C0950123, MeSH D030342.

Allele frequency attached by ClinVar (database versions not stated): ExAC 0.00073; 1000 Genomes Project 0.00185; 1000 Genomes Project 30x 0.00187; gnomAD 0.00201 and 0.00217; ESP Exome Variant Server 0.00208; TOPMed 0.00235; gnomAD exomes 0.00021 and 0.00063.
gnomAD v4.1: 482 of 1,210,566 alleles (0.04%); highest among the groups gnomAD compares: African/African-American, 0.65%; 1 homozygote.

Submissions (8):

Labcorp Genetics (formerly Invitae), Labcorp
Classification: Benign. Last evaluated: 2026-01-11. Review status: criteria provided, single submitter. Criteria: Invitae Variant Classification Sherloc (09022015). Collection method: clinical testing. Allele origin: germline.

PreventionGenetics, part of Exact Sciences
Classification: Likely benign for FGD1-related condition. Last evaluated: 2024-10-28. Review status: criteria provided, single submitter. Criteria: ACMG Guidelines, 2015. Collection method: clinical testing. Allele origin: germline.
Comment: This variant is classified as likely benign based on ACMG/AMP sequence variant interpretation guidelines (Richards et al. 2015 PMID: 25741868, with internal and published modifications).

Blueprint Genetics
Classification: Likely benign. Last evaluated: 2024-06-20. Review status: criteria provided, single submitter. Criteria: ACMG Guidelines, 2015. Collection method: clinical testing. Allele origin: germline.

Ambry Genetics
Classification: Likely benign for Inborn genetic diseases. Last evaluated: 2016-11-03. Review status: criteria provided, single submitter. Criteria: Ambry Variant Classification Scheme 2023. Collection method: clinical testing. Allele origin: germline.

Eurofins Ntd Llc (ga)
Classification: Benign. Last evaluated: 2015-01-22. Review status: criteria provided, single submitter. Criteria: EGL Classification Definitions 2015. Collection method: clinical testing. Allele origin: germline. Observed: 2 variant alleles, 2 heterozygotes.

Breakthrough Genomics
Classification: Likely benign. Review status: criteria provided, single submitter. Criteria: ACMG Guidelines, 2015. Collection method: not provided. Allele origin: germline. Inheritance: X-linked inheritance. Affected: yes.

Clinical Genetics DNA and cytogenetics Diagnostics Lab, Erasmus MC, Erasmus Medical Center
Classification: Likely benign. Review status: no assertion criteria provided. Collection method: clinical testing. Allele origin: germline. Affected: yes. Study: VKGL Data-share Consensus. Not counted in ClinVar's aggregate classification.

Genome Diagnostics Laboratory, University Medical Center Utrecht
Classification: Likely benign. Review status: no assertion criteria provided. Collection method: clinical testing. Allele origin: germline. Affected: yes. Study: VKGL Data-share Consensus. Not counted in ClinVar's aggregate classification.